The following is an entry in ClinVar:

NM_001854.4(COL11A1):c.3524A>G (p.Gln1175Arg)

Gene: COL11A1 (collagen type XI alpha 1 chain; minus strand). Cytogenetic location: 1p21.1.
Variant type: single nucleotide variant.
Coding change: c.3524A>G on transcript NM_001854.4 (MANE Select); coding-DNA position 3524, A replaced by G.
Protein change: p.Gln1175Arg; replaces glutamine 1175 with arginine.
Molecular consequence: missense variant. On other transcripts: non-coding transcript variant (1).
Genome position (GRCh38, 1-based): chr1:102,934,525, T>C on the plus strand (A>G on the coding strand, the complement: COL11A1 is on the minus strand). VCF-style: chr1-102934525-T-C. GRCh37 (hg19) VCF-style: chr1-103400081-T-C.
Other names: c.3407A>G, p.Gln1136Arg (NM_001190709.2); c.3560A>G, p.Gln1187Arg (NM_080629.3); c.3176A>G, p.Gln1059Arg (NM_080630.4); short protein forms Q1136R, Q1059R, Q1175R, Q1187R.
Identifiers: ClinVar variation 3664983 (VCV003664983.2).
Genomic context (GRCh38, chr1:102,934,525, plus strand): 5'-CCAGGAGGTCCAGGGAAGCCTCTGGCACCCTCATCACCTTTTTGCCCAAACATCCCCTGC[T>C]GTCCTCTAGGACCTGGTTCACCATCACCTCCCTAGAGAAGAGAAAGAAACATTATCACAA-3'
Protein context (NP_001845.3, residues 1165-1185): GGDGEPGPRG[Gln1175Arg]QGMFGQKGDE

ClinVar aggregate classification (germline): Uncertain significance (1 of 4 stars; one submission).

Submission:

Labcorp Genetics (formerly Invitae), Labcorp
Classification: Uncertain significance. Last evaluated: 2024-10-16. Review status: criteria provided, single submitter. Criteria: Invitae Variant Classification Sherloc (09022015). Collection method: clinical testing. Allele origin: germline.
Comment: This sequence change replaces glutamine, which is neutral and polar, with arginine, which is basic and polar, at codon 1175 of the COL11A1 protein (p.Gln1175Arg). This variant is not present in population databases (gnomAD no frequency). This variant has not been reported in the literature in individuals affected with COL11A1-related conditions. Invitae Evidence Modeling of protein sequence and biophysical properties (such as structural, functional, and spatial information, amino acid conservation, physicochemical variation, residue mobility, and thermodynamic stability) indicates that this missense variant is not expected to disrupt COL11A1 protein function with a negative predictive value of 80%. In summary, the available evidence is currently insufficient to determine the role of this variant in disease. Therefore, it has been classified as a Variant of Uncertain Significance.